The following is an entry in ClinVar:

ClinVar aggregate classification (germline): Conflicting classifications of pathogenicity. Review status: criteria provided, conflicting classifications (1 of 4 stars). 3 submissions from 3 submitters: Uncertain significance (2); Likely benign (1). Last evaluated 2025-09-26.

Conditions:
OPA1-related disorder. Also called: OPA1-related condition; OPA1-related disorders.

Allele frequency attached by ClinVar (database versions not stated): TOPMed below 0.00001; gnomAD 0.00001 and 0.00003; gnomAD exomes 0.00003; ExAC 0.00016; 1000 Genomes Project 30x 0.00047; 1000 Genomes Project 0.00060.
gnomAD v4.1: 20 of 1,552,158 alleles (0.0013%); highest among the groups gnomAD compares: Middle Eastern, 0.017%; no homozygotes.

Submissions (3):

PreventionGenetics, part of Exact Sciences
Classification: Uncertain significance for OPA1-related condition. Last evaluated: 2025-09-26. Review status: criteria provided, single submitter. Criteria: ACMG Guidelines, 2015. Collection method: clinical testing. Allele origin: germline.
Comment: The OPA1 c.3017C>G variant is predicted to result in the amino acid substitution p.Ala1006Gly. To our knowledge, this variant has not been reported in the literature. This variant is reported in 0.023% of alleles in individuals of South Asian descent in gnomAD. At this time, the clinical significance of this variant is uncertain due to the absence of conclusive functional and genetic evidence.

Labcorp Genetics (formerly Invitae), Labcorp
Classification: Likely benign. Last evaluated: 2025-04-01. Review status: criteria provided, single submitter. Criteria: Invitae Variant Classification Sherloc (09022015). Collection method: clinical testing. Allele origin: germline.

GeneDx
Classification: Uncertain significance. Last evaluated: 2021-12-07. Review status: criteria provided, single submitter. Criteria: GeneDx Variant Classification Process June 2021. Collection method: clinical testing. Allele origin: germline. Affected: yes.
Comment: In silico analysis supports that this missense variant does not alter protein structure/function; Has not been previously published as pathogenic or benign to our knowledge

NM_130837.3(OPA1):c.3017C>G (p.Ala1006Gly)

Gene: OPA1 (OPA1 mitochondrial dynamin like GTPase; plus strand). Cytogenetic location: 3q29.
Variant type: single nucleotide variant.
Coding change: c.3017C>G on transcript NM_130837.3 (MANE Select); coding-DNA position 3017, C replaced by G.
Protein change: p.Ala1006Gly; replaces alanine 1006 with glycine.
Molecular consequence: missense variant.
Genome position (GRCh38, 1-based): chr3:193,692,096, C>G. VCF-style: chr3-193692096-C-G. GRCh37 (hg19) VCF-style: chr3-193409885-C-G.
Other names: c.2483C>G, p.Ala828Gly (NM_001354663.2); c.2480C>G, p.Ala827Gly (NM_001354664.2); c.2852C>G, p.Ala951Gly (NM_015560.3); c.2744C>G, p.Ala915Gly (NM_130831.3); c.2798C>G, p.Ala933Gly (NM_130832.3); c.2855C>G, p.Ala952Gly (NM_130833.3); c.2906C>G, p.Ala969Gly (NM_130834.3); c.2909C>G, p.Ala970Gly (NM_130835.3); and 2 more; short protein forms A933G, A969G, A970G, A988G, A827G, A828G, A915G, A1006G.
Identifiers: ClinVar variation 1518656 (VCV001518656.11), dbSNP rs577055148, ClinGen allele CA2759853.